The following is an entry in ClinVar:

NM_006445.4(PRPF8):c.2800C>T (p.Arg934Cys)

Gene: PRPF8 (pre-mRNA processing factor 8; minus strand). Cytogenetic location: 17p13.3.
Variant type: single nucleotide variant.
Coding change: c.2800C>T on transcript NM_006445.4 (MANE Select); coding-DNA position 2800, C replaced by T.
Protein change: p.Arg934Cys; replaces arginine 934 with cysteine.
Molecular consequence: missense variant.
Genome position (GRCh38, 1-based): chr17:1,675,692, G>A on the plus strand (C>T on the coding strand, the complement: PRPF8 is on the minus strand). VCF-style: chr17-1675692-G-A. GRCh37 (hg19) VCF-style: chr17-1578986-G-A.
Other names: short protein forms R934C.
Identifiers: ClinVar variation 2098620 (VCV002098620.4), dbSNP rs758120082, ClinGen allele CA8272049.

ClinVar aggregate classification (germline): Uncertain significance (1 of 4 stars; one submission).

Allele frequency attached by ClinVar (database versions not stated): gnomAD exomes below 0.00001; TOPMed below 0.00001; ExAC 0.00001.

Submission:

Labcorp Genetics (formerly Invitae), Labcorp
Classification: Uncertain significance. Last evaluated: 2022-02-18. Review status: criteria provided, single submitter. Criteria: Invitae Variant Classification Sherloc (09022015). Collection method: clinical testing. Allele origin: germline.
Comment: This variant has not been reported in the literature in individuals affected with PRPF8-related conditions. This variant is present in population databases (rs758120082, gnomAD 0.003%). This sequence change replaces arginine, which is basic and polar, with cysteine, which is neutral and slightly polar, at codon 934 of the PRPF8 protein (p.Arg934Cys). Algorithms developed to predict the effect of missense changes on protein structure and function are either unavailable or do not agree on the potential impact of this missense change (SIFT: "Deleterious"; PolyPhen-2: "Possibly Damaging"; Align-GVGD: "Class C0"). In summary, the available evidence is currently insufficient to determine the role of this variant in disease. Therefore, it has been classified as a Variant of Uncertain Significance.